The following is an entry in ClinVar:

ClinVar aggregate classification (germline): Uncertain significance (1 of 4 stars; one submission).

Conditions:
Charcot-Marie-Tooth disease axonal type 2L. Also called: Charcot-Marie-Tooth Neuropathy Type 2L; CHARCOT-MARIE-TOOTH DISEASE, AXONAL, AUTOSOMAL DOMINANT, TYPE 2L; CHARCOT-MARIE-TOOTH NEUROPATHY, AXONAL, TYPE 2L. Identifiers: Orphanet 99945, MedGen C1837552, MONDO:0012096, OMIM 608673.

Submission:

Labcorp Genetics (formerly Invitae), Labcorp
Classification: Uncertain significance for Charcot-Marie-Tooth disease axonal type 2L. Last evaluated: 2026-01-19. Review status: criteria provided, single submitter. Criteria: Invitae Variant Classification Sherloc (09022015). Collection method: clinical testing. Allele origin: germline.
Comment: This sequence change creates a premature translational stop signal (p.Gly72Alafs*29) in the HSPB8 gene. It is expected to result in an absent or disrupted protein product. However, the current clinical and genetic evidence is not sufficient to establish whether loss-of-function variants in HSPB8 cause disease. This variant is not present in population databases (gnomAD no frequency). This variant has not been reported in the literature in individuals affected with HSPB8-related conditions. In summary, the available evidence is currently insufficient to determine the role of this variant in disease. Therefore, it has been classified as a Variant of Uncertain Significance.

NM_014365.3(HSPB8):c.215del (p.Gly72fs)

Gene: HSPB8 (heat shock protein family B (small) member 8; plus strand). Cytogenetic location: 12q24.23.
Variant type: Deletion.
Coding change: c.215del on transcript NM_014365.3 (MANE Select); coding-DNA position 215, one base deleted (G; older notation c.215delG).
Protein change: p.Gly72fs; shifts the reading frame from glycine 72.
Molecular consequence: frameshift variant.
Genome position (GRCh38, 1-based): chr12:119,179,527, G deleted; the last of 4 consecutive G bases (chr12:119,179,524-119,179,527); deleting any one gives the same sequence. VCF-style (leftmost placement, unchanged base first): chr12-119179523-CG-C. GRCh37 (hg19) VCF-style: chr12-119617328-CG-C.
Other names: short protein forms G72fs.
Identifiers: ClinVar variation 4711072 (VCV004711072.1).